The following is an entry in ClinVar:

ClinVar aggregate classification (germline): Likely benign (1 of 4 stars; one submission).

Conditions:
SEMA3A-related disorder. Also called: SEMA3A-related condition.

Submission:

PreventionGenetics, part of Exact Sciences
Classification: Likely benign for SEMA3A-related condition. Last evaluated: 2026-08-04. Review status: criteria provided, single submitter. Criteria: ACMG Guidelines, 2015. Collection method: clinical testing. Allele origin: germline.
Comment: This variant is classified as likely benign based on ACMG/AMP sequence variant interpretation guidelines (Richards et al. 2015 PMID: 25741868, with internal and published modifications).

NM_006080.3(SEMA3A):c.1453-6C>T

Gene: SEMA3A (semaphorin 3A; minus strand). Cytogenetic location: 7q21.11.
Variant type: single nucleotide variant.
Coding change: c.1453-6C>T on transcript NM_006080.3 (MANE Select); 6 bases into the intron before coding-DNA position 1453, C replaced by T.
Molecular consequence: intron variant.
Genome position (GRCh38, 1-based): chr7:83,985,483, G>A on the plus strand (C>T on the coding strand, the complement: SEMA3A is on the minus strand). VCF-style: chr7-83985483-G-A. GRCh37 (hg19) VCF-style: chr7-83614799-G-A.
Identifiers: ClinVar variation 4993681 (VCV004993681.1).